The following is an entry in ClinVar:

ClinVar aggregate classification (germline): Uncertain significance. Review status: criteria provided, multiple submitters, no conflicts (2 of 4 stars). 2 submissions from 2 submitters: Uncertain significance (2). Last evaluated 2025-11-08.

Conditions:
Tietz syndrome (TADS). Also called: ALBINISM-DEAFNESS OF TIETZ; HYPOPIGMENTATION/DEAFNESS OF TIETZ; TIETZ ALBINISM-DEAFNESS SYNDROME. Identifiers: Orphanet 42665, MedGen C0391816, MONDO:0007077, OMIM 103500.
Waardenburg syndrome type 2A (WS2A). Also called: WAARDENBURG SYNDROME WITHOUT DYSTOPIA CANTHORUM. Identifiers: Orphanet 3440, MedGen C1860339, MONDO:0008671, OMIM 193510.
Melanoma, cutaneous malignant, susceptibility to, 8. Also called: MELANOMA AND RENAL CELL CARCINOMA, SUSCEPTIBILITY TO; Cutaneous malignant melanoma 8. Identifiers: Orphanet 293822, MedGen C3152204, MONDO:0013759, OMIM 614456.
Hereditary cancer-predisposing syndrome. Also called: Tumor predisposition; Hereditary Cancer Syndrome; Hereditary neoplastic syndrome; Neoplastic Syndromes, Hereditary. Identifiers: Orphanet 140162, MedGen C0027672, MeSH D009386, MONDO:0015356.

Submissions (2):

Labcorp Genetics (formerly Invitae), Labcorp
Classification: Uncertain significance for Melanoma, cutaneous malignant, susceptibility to, 8; Waardenburg syndrome type 2A; Tietz syndrome. Last evaluated: 2025-11-08. Review status: criteria provided, single submitter. Criteria: Invitae Variant Classification Sherloc (09022015). Collection method: clinical testing. Allele origin: germline.
Comment: This sequence change replaces serine, which is neutral and polar, with tyrosine, which is neutral and polar, at codon 307 of the MITF protein (p.Ser307Tyr). This variant is not present in population databases (gnomAD no frequency). This variant has not been reported in the literature in individuals affected with MITF-related conditions. ClinVar contains an entry for this variant (Variation ID: 2941268). Invitae Evidence Modeling of protein sequence and biophysical properties (such as structural, functional, and spatial information, amino acid conservation, physicochemical variation, residue mobility, and thermodynamic stability) indicates that this missense variant is expected to disrupt MITF protein function with a positive predictive value of 80%. In summary, the available evidence is currently insufficient to determine the role of this variant in disease. Therefore, it has been classified as a Variant of Uncertain Significance.

Ambry Genetics
Classification: Uncertain significance for Hereditary cancer-predisposing syndrome. Last evaluated: 2024-12-23. Review status: criteria provided, single submitter. Criteria: Ambry Variant Classification Scheme 2023. Collection method: clinical testing. Allele origin: germline.
Comment: The p.S307Y variant (also known as c.920C>A), located in coding exon 9 of the MITF gene, results from a C to A substitution at nucleotide position 920. The serine at codon 307 is replaced by tyrosine, an amino acid with dissimilar properties. This amino acid position is conserved. In addition, the in silico prediction for this alteration is inconclusive. Based on the available evidence, the clinical significance of this variant remains unclear.

NM_001354604.2(MITF):c.1241C>A (p.Ser414Tyr)

Gene: MITF (melanocyte inducing transcription factor; plus strand). Cytogenetic location: 3p13.
Variant type: single nucleotide variant.
Coding change: c.1241C>A on transcript NM_001354604.2 (MANE Select); coding-DNA position 1241, C replaced by A.
Protein change: p.Ser414Tyr; replaces serine 414 with tyrosine.
Molecular consequence: missense variant.
Genome position (GRCh38, 1-based): chr3:69,964,908, C>A. VCF-style: chr3-69964908-C-A. GRCh37 (hg19) VCF-style: chr3-70014059-C-A.
Other names: c.920C>A, p.Ser307Tyr (NM_000248.4); c.1067C>A, p.Ser356Tyr (NM_001184967.2, NM_001354608.2); c.1238C>A, p.Ser413Tyr (NM_001354605.2); c.1220C>A, p.Ser407Tyr (NM_001354606.2, NM_006722.3); c.1172C>A, p.Ser391Tyr (NM_001354607.2); c.902C>A, p.Ser301Tyr (NM_198158.3); c.1223C>A, p.Ser408Tyr (NM_198159.3); c.1175C>A, p.Ser392Tyr (NM_198177.3); and 1 more; short protein forms S307Y, S301Y, S391Y, S408Y, S413Y, S245Y, S392Y, S414Y.
Identifiers: ClinVar variation 2941268 (VCV002941268.4), dbSNP rs2066645592, ClinGen allele CA353559429.